The following is an entry in ClinVar:

NM_002454.3(MTRR):c.1574G>A (p.Arg525Gln)

Gene: MTRR (5-methyltetrahydrofolate-homocysteine methyltransferase reductase; plus strand). Cytogenetic location: 5p15.31.
Variant type: single nucleotide variant.
Coding change: c.1574G>A on transcript NM_002454.3 (MANE Select); coding-DNA position 1574, G replaced by A.
Protein change: p.Arg525Gln; replaces arginine 525 with glutamine.
Molecular consequence: missense variant. On other transcripts: non-coding transcript variant (14).
Genome position (GRCh38, 1-based): chr5:7,895,750, G>A. VCF-style: chr5-7895750-G-A. GRCh37 (hg19) VCF-style: chr5-7895863-G-A.
Other names: c.1574G>A, p.Arg525Gln (NM_001364440.2, NM_001364441.2, NM_001364442.2 and 1 more transcripts); c.1574G>A (NM_002454.2); short protein forms R525Q.
Identifiers: ClinVar variation 1410111 (VCV001410111.4), dbSNP rs1343250131, ClinGen allele CA359159207.

ClinVar aggregate classification (germline): Uncertain significance. Review status: criteria provided, multiple submitters, no conflicts (2 of 4 stars). 2 submissions from 2 submitters: Uncertain significance (2). Last evaluated 2024-05-14.

Conditions:
Inborn genetic diseases. Identifiers: MedGen C0950123, MeSH D030342.
Methylcobalamin deficiency type cblE (HMAE). Also called: HOMOCYSTINURIA-MEGALOBLASTIC ANEMIA, cblE COMPLEMENTATION TYPE; HOMOCYSTINURIA-MEGALOBLASTIC ANEMIA, cblE TYPE; VITAMIN B12-RESPONSIVE HOMOCYSTINURIA, cblE TYPE. Identifiers: Orphanet 2169, Orphanet 622, MedGen C1856057, MONDO:0009354, OMIM 236270.

Allele frequency attached by ClinVar (database versions not stated): gnomAD 0.00001.

Submissions (2):

Ambry Genetics
Classification: Uncertain significance for Inborn genetic diseases. Last evaluated: 2024-05-14. Review status: criteria provided, single submitter. Criteria: Ambry Variant Classification Scheme 2023. Collection method: clinical testing. Allele origin: germline.

Labcorp Genetics (formerly Invitae), Labcorp
Classification: Uncertain significance for Methylcobalamin deficiency type cblE. Last evaluated: 2021-12-08. Review status: criteria provided, single submitter. Criteria: Invitae Variant Classification Sherloc (09022015). Collection method: clinical testing. Allele origin: germline.
Comment: This sequence change replaces arginine, which is basic and polar, with glutamine, which is neutral and polar, at codon 525 of the MTRR protein (p.Arg525Gln). This variant is present in population databases (no rsID available, gnomAD 0.002%). This variant has not been reported in the literature in individuals affected with MTRR-related conditions. Algorithms developed to predict the effect of missense changes on protein structure and function are either unavailable or do not agree on the potential impact of this missense change (SIFT: "Deleterious"; PolyPhen-2: "Possibly Damaging"; Align-GVGD: "Class C0"). In summary, the available evidence is currently insufficient to determine the role of this variant in disease. Therefore, it has been classified as a Variant of Uncertain Significance.